The following is an entry in ClinVar:

ClinVar aggregate classification (germline): Pathogenic (1 of 4 stars; one submission).

Conditions:
Mitochondrial complex V (ATP synthase) deficiency, nuclear type 2. Also called: ENCEPHALOCARDIOMYOPATHY, MITOCHONDRIAL, NEONATAL, DUE TO ATP SYNTHASE DEFICIENCY; Nuclear-Encoded ATPase Deficiency, TMEM70-Related; MITOCHONDRIAL COMPLEX V (ATP SYNTHASE) DEFICIENCY, TMEM70 TYPE. Identifiers: Orphanet 1194, MedGen C3279699, MONDO:0013546, OMIM 614052.

Submission:

Labcorp Genetics (formerly Invitae), Labcorp
Classification: Pathogenic for Mitochondrial complex V (ATP synthase) deficiency, nuclear type 2. Last evaluated: 2021-04-10. Review status: criteria provided, single submitter. Criteria: Invitae Variant Classification Sherloc (09022015). Collection method: clinical testing. Allele origin: germline.
Comment: This sequence change creates a premature translational stop signal (p.Pro66Argfs*17) in the TMEM70 gene. It is expected to result in an absent or disrupted protein product. Loss-of-function variants in TMEM70 are known to be pathogenic (PMID: 18953340, 21147908). The frequency data for this variant in the population databases is considered unreliable, as metrics indicate insufficient coverage at this position in the ExAC database. This variant has not been reported in the literature in individuals with TMEM70-related conditions. For these reasons, this variant has been classified as Pathogenic.

Literature cited by the submitters: PubMed 18953340; PubMed 21147908.

NM_017866.6(TMEM70):c.197del (p.Pro66fs)

Gene: TMEM70 (transmembrane protein 70; plus strand). Cytogenetic location: 8q21.11.
Variant type: Deletion.
Coding change: c.197del on transcript NM_017866.6 (MANE Select); coding-DNA position 197, one base deleted (C; older notation c.197delC).
Protein change: p.Pro66fs; shifts the reading frame from proline 66.
Molecular consequence: frameshift variant. On other transcripts: non-coding transcript variant (1).
Genome position (GRCh38, 1-based): chr8:73,976,478, C deleted; the last of 2 consecutive C bases (chr8:73,976,477-73,976,478); deleting either gives the same sequence. VCF-style (leftmost placement, unchanged base first): chr8-73976476-TC-T. GRCh37 (hg19) VCF-style: chr8-74888711-TC-T.
Other names: c.197del, p.Pro66fs (NM_001040613.3); short protein forms P66fs.
Identifiers: ClinVar variation 1459750 (VCV001459750.4), dbSNP rs1376883697, ClinGen allele CA582881276.